The following is an entry in ClinVar:

NM_000535.7(PMS2):c.804-243G>A

Gene: PMS2 (PMS1 homolog 2, mismatch repair system component; minus strand). Cytogenetic location: 7p22.1.
Variant type: single nucleotide variant.
Coding change: c.804-243G>A on transcript NM_000535.7 (MANE Select); 243 bases into the intron before coding-DNA position 804, G replaced by A.
Molecular consequence: intron variant.
Genome position (GRCh38, 1-based): chr7:5,995,876, C>T on the plus strand (G>A on the coding strand, the complement: PMS2 is on the minus strand). VCF-style: chr7-5995876-C-T. GRCh37 (hg19) VCF-style: chr7-6035507-C-T.
Other names: c.486-243G>A (NM_001322008.2, NM_001322007.2); c.399-243G>A (NM_001322010.2, NM_001322004.2, NM_001322003.2 and 2 more transcripts); c.231-243G>A (NM_001322013.2); c.-130-243G>A (NM_001322012.2, NM_001322011.2); c.495-243G>A (NM_001322015.2); c.804-243G>A (NM_001322006.2, NM_001322014.2).
Identifiers: ClinVar variation 91371 (VCV000091371.3), dbSNP rs2286680, ClinGen allele CA012893.

ClinVar aggregate classification (germline): Benign (3 of 4 stars; one submission).

Conditions:
Lynch syndrome. Identifiers: Orphanet 144, MedGen C4552100, MONDO:0005835. Disease mechanism: loss of function.

Allele frequency attached by ClinVar (database versions not stated): gnomAD 0.16082 and 0.15850; 1000 Genomes Project 0.15176; 1000 Genomes Project 30x 0.15490; TOPMed 0.15539.
gnomAD v4.1: 24,123 of 152,128 alleles (16%); highest among the groups gnomAD compares: African/African-American, 22%; 2,139 homozygotes.

Submission:

International Society for Gastrointestinal Hereditary Tumours (InSiGHT)
Classification: Benign for Lynch Syndrome. Last evaluated: 2013-09-05. Review status: reviewed by expert panel. Criteria: Guidelines v1.9. Collection method: research. Allele origin: germline.
Comment: MAF >1%

Classified with v1.9 guidelines
ClinVar note: Converted during submission from no known pathogenicity to Benign.